The following is an entry in ClinVar:

NM_144999.4(LRRC45):c.295C>A (p.Arg99=)

Gene: LRRC45 (leucine rich repeat containing 45; plus strand). Cytogenetic location: 17q25.3.
Variant type: single nucleotide variant.
Coding change: c.295C>A on transcript NM_144999.4 (MANE Select); coding-DNA position 295, C replaced by A.
Protein change: p.Arg99=; no amino-acid change (arginine 99 retained).
Molecular consequence: synonymous variant.
Genome position (GRCh38, 1-based): chr17:82,024,705, C>A. VCF-style: chr17-82024705-C-A. GRCh37 (hg19) VCF-style: chr17-79982581-C-A.
Identifiers: ClinVar variation 4983804 (VCV004983804.1).

ClinVar aggregate classification (germline): Likely benign (1 of 4 stars; one submission).

Conditions:
LRRC45-related disorder. Also called: LRRC45-related condition.

Submission:

PreventionGenetics, part of Exact Sciences
Classification: Likely benign for LRRC45-related condition. Last evaluated: 2025-03-09. Review status: criteria provided, single submitter. Criteria: ACMG Guidelines, 2015. Collection method: clinical testing. Allele origin: germline.
Comment: This variant is classified as likely benign based on ACMG/AMP sequence variant interpretation guidelines (Richards et al. 2015 PMID: 25741868, with internal and published modifications).